The following is an entry in ClinVar:

ClinVar aggregate classification (germline): Uncertain significance (1 of 4 stars; one submission).

Allele frequency attached by ClinVar (database versions not stated): gnomAD exomes below 0.00001; gnomAD 0.00001.
gnomAD v4.1: 5 of 1,613,992 alleles (0.00031%); highest among the groups gnomAD compares: Non-Finnish European, 0.00042%; no homozygotes.

Submission:

Labcorp Genetics (formerly Invitae), Labcorp
Classification: Uncertain significance. Last evaluated: 2023-06-14. Review status: criteria provided, single submitter. Criteria: Invitae Variant Classification Sherloc (09022015). Collection method: clinical testing. Allele origin: germline.
Comment: An algorithm developed to predict the effect of missense changes on protein structure and function (PolyPhen-2) suggests that this variant is likely to be disruptive. This variant has not been reported in the literature in individuals affected with CTR9-related conditions. This variant is present in population databases (no rsID available, gnomAD no frequency). This sequence change replaces glutamine, which is neutral and polar, with histidine, which is basic and polar, at codon 95 of the CTR9 protein (p.Gln95His). In summary, the available evidence is currently insufficient to determine the role of this variant in disease. Therefore, it has been classified as a Variant of Uncertain Significance.

NM_014633.5(CTR9):c.285A>T (p.Gln95His)

Gene: CTR9 (CTR9 component of Paf1/RNA polymerase II complex; plus strand). Cytogenetic location: 11p15.4.
Variant type: single nucleotide variant.
Coding change: c.285A>T on transcript NM_014633.5 (MANE Select); coding-DNA position 285, A replaced by T.
Protein change: p.Gln95His; replaces glutamine 95 with histidine.
Molecular consequence: missense variant.
Genome position (GRCh38, 1-based): chr11:10,755,098, A>T. VCF-style: chr11-10755098-A-T. GRCh37 (hg19) VCF-style: chr11-10776645-A-T.
Other names: c.285A>T, p.Gln95His (NM_001346279.2); short protein forms Q95H.
Identifiers: ClinVar variation 2905915 (VCV002905915.3), dbSNP rs1482917134, ClinGen allele CA379659451.
Genomic context (GRCh38, chr11:10,755,098, plus strand): 5'-TAGAGACCATGAAAAAGACCAGATGACTTGCTTGGATACATTGGCAGCGTATTATGTACA[A>T]CAGGCTCGGAAAGAAAAGAATAAGGACAATAAAAAGGATCTTATTACACAGGCCACCTTG-3'
Protein context (NP_055448.1, residues 85-105): CLDTLAAYYV[Gln95His]QARKEKNKDN